The following is an entry in ClinVar:

ClinVar aggregate classification (germline): Likely benign (1 of 4 stars; one submission).

Allele frequency attached by ClinVar (database versions not stated): 1000 Genomes Project 30x 0.00047; ExAC 0.00056; 1000 Genomes Project 0.00060; gnomAD exomes 0.00064; gnomAD 0.00067; TOPMed 0.00068; ESP Exome Variant Server 0.00077.
gnomAD v4.1: 1,063 of 1,613,838 alleles (0.066%); highest among the groups gnomAD compares: Middle Eastern, 2%; 4 homozygotes.

Submission:

CeGaT Center for Human Genetics Tuebingen
Classification: Likely benign. Last evaluated: 2022-09-01. Review status: criteria provided, single submitter. Criteria: CeGaT Center For Human Genetics Tuebingen Variant Classification Criteria Version 2. Collection method: clinical testing. Allele origin: germline. Affected: yes. Observed: 1 variant allele.
Comment: AKR1A1: BP4, BP7

NM_153326.3(AKR1A1):c.921G>A (p.Gly307=)

Gene: AKR1A1 (aldo-keto reductase family 1 member A1; plus strand). Cytogenetic location: 1p34.1.
Variant type: single nucleotide variant.
Coding change: c.921G>A on transcript NM_153326.3 (MANE Select); coding-DNA position 921, G replaced by A.
Protein change: p.Gly307=; no amino-acid change (glycine 307 retained).
Molecular consequence: synonymous variant.
Genome position (GRCh38, 1-based): chr1:45,569,899, G>A. VCF-style: chr1-45569899-G-A. GRCh37 (hg19) VCF-style: chr1-46035571-G-A.
Other names: c.921G>A, p.Gly307= (NM_001202413.2, NM_001202414.2, NM_006066.4).
Identifiers: ClinVar variation 2638792 (VCV002638792.24), dbSNP rs138720250, ClinGen allele CA828423.